The following is an entry in ClinVar:

NM_030777.4(SLC2A10):c.1289-3T>G

Gene: SLC2A10 (solute carrier family 2 member 10; plus strand). Cytogenetic location: 20q13.12.
Variant type: single nucleotide variant.
Coding change: c.1289-3T>G on transcript NM_030777.4 (MANE Select); 3 bases into the intron before coding-DNA position 1289, T replaced by G.
Molecular consequence: intron variant.
Genome position (GRCh38, 1-based): chr20:46,726,861, T>G. VCF-style: chr20-46726861-T-G. GRCh37 (hg19) VCF-style: chr20-45355500-T-G.
Identifiers: ClinVar variation 1955174 (VCV001955174.5), dbSNP rs537606044, ClinGen allele CA9892159.

ClinVar aggregate classification (germline): Uncertain significance (1 of 4 stars; one submission).

Conditions:
Arterial tortuosity syndrome (ATORS). Identifiers: Orphanet 3342, MedGen C1859726, MONDO:0008818, OMIM 208050.

Allele frequency attached by ClinVar (database versions not stated): ExAC 0.00001; gnomAD 0.00001; TOPMed 0.00001.
gnomAD v4.1: 3 of 1,613,830 alleles (0.00019%); highest among the groups gnomAD compares: Non-Finnish European, 0.00025%; no homozygotes.

Submission:

Labcorp Genetics (formerly Invitae), Labcorp
Classification: Uncertain significance for Arterial tortuosity syndrome. Last evaluated: 2022-01-27. Review status: criteria provided, single submitter. Criteria: Invitae Variant Classification Sherloc (09022015). Collection method: clinical testing. Allele origin: germline.
Comment: In summary, the available evidence is currently insufficient to determine the role of this variant in disease. Therefore, it has been classified as a Variant of Uncertain Significance. Variants that disrupt the consensus splice site are a relatively common cause of aberrant splicing (PMID: 17576681, 9536098). Algorithms developed to predict the effect of sequence changes on RNA splicing suggest that this variant may disrupt the consensus splice site. This variant has been observed in individual(s) with clinical features of arterial tortuosity syndrome (Invitae). This variant is present in population databases (rs537606044, gnomAD 0.0009%). This sequence change falls in intron 2 of the SLC2A10 gene. It does not directly change the encoded amino acid sequence of the SLC2A10 protein. It affects a nucleotide within the consensus splice site.

Literature cited by the submitters: PubMed 17576681; PubMed 9536098.